The following is an entry in ClinVar:

ClinVar aggregate classification (germline): Uncertain significance (1 of 4 stars; one submission).

Conditions:
Hereditary cancer-predisposing syndrome. Also called: Neoplastic Syndromes, Hereditary; Tumor predisposition; Hereditary neoplastic syndrome; Hereditary Cancer Syndrome. Identifiers: Orphanet 140162, MedGen C0027672, MeSH D009386, MONDO:0015356.

Submission:

Ambry Genetics
Classification: Uncertain significance for Hereditary cancer-predisposing syndrome. Last evaluated: 2024-01-16. Review status: criteria provided, single submitter. Criteria: Ambry Variant Classification Scheme 2023. Collection method: clinical testing. Allele origin: germline.
Comment: The p.V67G variant (also known as c.200T>G), located in coding exon 2 of the TSC2 gene, results from a T to G substitution at nucleotide position 200. The valine at codon 67 is replaced by glycine, an amino acid with dissimilar properties. This amino acid position is conserved. In addition, the in silico prediction for this alteration is inconclusive. Since supporting evidence is limited at this time, the clinical significance of this alteration remains unclear.

NM_000548.5(TSC2):c.200T>G (p.Val67Gly)

Gene: TSC2 (TSC complex subunit 2; plus strand). Cytogenetic location: 16p13.3.
Variant type: single nucleotide variant.
Coding change: c.200T>G on transcript NM_000548.5 (MANE Select); coding-DNA position 200, T replaced by G.
Protein change: p.Val67Gly; replaces valine 67 with glycine.
Molecular consequence: missense variant. On other transcripts: 5 prime UTR variant (20), non-coding transcript variant (5).
Genome position (GRCh38, 1-based): chr16:2,050,461, T>G. VCF-style: chr16-2050461-T-G. GRCh37 (hg19) VCF-style: chr16-2100462-T-G.
Other names: c.200T>G, p.Val67Gly (NM_001077183.3, NM_001114382.3, NM_001318827.2 and 13 more transcripts); c.53T>G, p.Val18Gly (NM_001318829.2, NM_001406675.1, NM_001406676.1 and 2 more transcripts); c.-27T>G (NM_001318831.2, NM_001406682.1, NM_001406684.1 and 3 more transcripts); c.233T>G, p.Val78Gly (NM_001318832.2); c.-617T>G (NM_001406680.1, NM_001406683.1, NM_001406687.1); c.-246T>G (NM_001406681.1); c.-1232T>G (NM_001406689.1, NM_001406690.1, NM_001406691.1 and 2 more transcripts); c.-1538T>G (NM_001406693.1); and 3 more; short protein forms V18G, V67G, V78G.
Identifiers: ClinVar variation 3232099 (VCV003232099.1), dbSNP rs2084964913, ClinGen allele CA394303520.